The following is an entry in ClinVar:

NM_001369.3(DNAH5):c.7178del (p.Asn2393fs)

Gene: DNAH5 (dynein axonemal heavy chain 5; minus strand). Cytogenetic location: 5p15.2.
Variant type: Deletion.
Coding change: c.7178del on transcript NM_001369.3 (MANE Select); coding-DNA position 7178, one base deleted (A; older notation c.7178delA).
Protein change: p.Asn2393fs; shifts the reading frame from asparagine 2393.
Molecular consequence: frameshift variant.
Genome position (GRCh38, 1-based): chr5:13,814,657, T deleted on the plus strand (A on the coding strand, the reverse complement: DNAH5 is on the minus strand); the first of 3 consecutive T bases (chr5:13,814,657-13,814,659); deleting any one gives the same sequence. VCF-style (leftmost placement, unchanged base first): chr5-13814656-AT-A. GRCh37 (hg19) VCF-style: chr5-13814765-AT-A.
Other names: short protein forms N2393fs.
Identifiers: ClinVar variation 5015258 (VCV005015258.1).

ClinVar aggregate classification (germline): Pathogenic (1 of 4 stars; one submission).

Conditions:
Primary ciliary dyskinesia 3. Identifiers: Orphanet 244, MedGen C1837618, MONDO:0012085, OMIM 608644.

Submission:

Myriad Genetics, Inc.
Classification: Pathogenic for Primary ciliary dyskinesia 3. Last evaluated: 2025-11-25. Review status: criteria provided, single submitter. Criteria: Myriad Autosomal Dominant, Autosomal Recessive and X-Linked Classification Criteria (2023). Collection method: clinical testing. Allele origin: unknown.
Comment: NM_001369.2(DNAH5):c.7178delA(N2393Mfs*6) is expected to be pathogenic in the context of primary ciliary dyskinesia, DNAH5-related. This variant is predicted to lead to an abnormal or absent protein product due to the creation of a premature termination codon in DNAH5, a gene where loss-of-function variants are known to be pathogenic. Please note: this variant was assessed in the context of healthy population screening.